The following is an entry in ClinVar:

NM_206933.4(USH2A):c.1391G>T (p.Arg464Leu)

Gene: USH2A (usherin; minus strand). Cytogenetic location: 1q41.
Variant type: single nucleotide variant.
Coding change: c.1391G>T on transcript NM_206933.4 (MANE Select); coding-DNA position 1391, G replaced by T.
Protein change: p.Arg464Leu; replaces arginine 464 with leucine.
Molecular consequence: missense variant.
Genome position (GRCh38, 1-based): chr1:216,323,633, C>A on the plus strand (G>T on the coding strand, the complement: USH2A is on the minus strand). VCF-style: chr1-216323633-C-A. GRCh37 (hg19) VCF-style: chr1-216496975-C-A.
Other names: c.1391G>T, p.Arg464Leu (NM_007123.6); short protein forms R464L.
Identifiers: ClinVar variation 1426713 (VCV001426713.6), dbSNP rs771000800, ClinGen allele CA344910214.

ClinVar aggregate classification (germline): Uncertain significance (1 of 4 stars; one submission).

gnomAD v4.1: 1 of 1,613,360 alleles (0.000062%); highest among the groups gnomAD compares: Non-Finnish European, 0.000085%; no homozygotes.

Submission:

Labcorp Genetics (formerly Invitae), Labcorp
Classification: Uncertain significance. Last evaluated: 2026-01-12. Review status: criteria provided, single submitter. Criteria: Invitae Variant Classification Sherloc (09022015). Collection method: clinical testing. Allele origin: germline.
Comment: This sequence change replaces arginine, which is basic and polar, with leucine, which is neutral and non-polar, at codon 464 of the USH2A protein (p.Arg464Leu). This variant is not present in population databases (gnomAD no frequency). This missense change has been observed in individual(s) with USH2A-related conditions (PMID: 37287646). ClinVar contains an entry for this variant (Variation ID: 1426713). Invitae Evidence Modeling of protein sequence and biophysical properties (such as structural, functional, and spatial information, amino acid conservation, physicochemical variation, residue mobility, and thermodynamic stability) has been performed for this missense variant. However, the output from this modeling did not meet the statistical confidence thresholds required to predict the impact of this variant on USH2A protein function. This variant disrupts the p.Arg464 amino acid residue in USH2A. Other variant(s) that disrupt this residue have been determined to be pathogenic (PMID: 28157192, 28559085, 30718709). This suggests that this residue is clinically significant, and that variants that disrupt this residue are likely to be disease-causing. In summary, the available evidence is currently insufficient to determine the role of this variant in disease. Therefore, it has been classified as a Variant of Uncertain Significance.

Literature cited by the submitters: PubMed 37287646; PubMed 28157192; PubMed 28559085; PubMed 30718709.